The following is an entry in ClinVar:

ClinVar aggregate classification (germline): Pathogenic (1 of 4 stars; one submission).

Conditions:
Neuronal ceroid lipofuscinosis 2. Also called: TPP1-Related Neuronal Ceroid-Lipofuscinosis; JANSKY-BIELSCHOWSKY DISEASE NEURONAL CEROID LIPOFUSCINOSIS, LATE INFANTILE. Identifiers: Orphanet 168491, Orphanet 228349, Orphanet 79264, MedGen C1876161, MONDO:0008769, OMIM 204500.

Submission:

Myriad Genetics, Inc.
Classification: Pathogenic for Neuronal ceroid lipofuscinosis 2. Last evaluated: 2023-09-27. Review status: criteria provided, single submitter. Criteria: Myriad Autosomal Dominant, Autosomal Recessive and X-Linked Classification Criteria (2023). Collection method: clinical testing. Allele origin: unknown.
Comment: NM_000391.3(TPP1):c.800dupG(R268Pfs*5) is expected to be pathogenic in the context of TPP1-related neuronal ceroid lipofuscinosis. This variant is predicted to lead to an abnormal or absent protein product due to the creation of a premature termination codon in TPP1, a gene where loss-of-function variants are known to be pathogenic. Please note: this variant was assessed in the context of healthy population screening.

NM_000391.4(TPP1):c.800dup (p.Arg268fs)

Gene: TPP1 (tripeptidyl peptidase 1; minus strand). Cytogenetic location: 11p15.4.
Variant type: Duplication.
Coding change: c.800dup on transcript NM_000391.4 (MANE Select); coding-DNA position 800, one base duplicated (G; older notation c.800dupG).
Protein change: p.Arg268fs; shifts the reading frame from arginine 268.
Molecular consequence: frameshift variant.
Genome position (GRCh38, 1-based): chr11:6,616,747, C duplicated on the plus strand (G on the coding strand, the reverse complement: TPP1 is on the minus strand); the first of 4 consecutive C bases (chr11:6,616,747-6,616,750); duplicating any one gives the same sequence. VCF-style (leftmost placement, unchanged base first): chr11-6616746-G-GC. GRCh37 (hg19) VCF-style: chr11-6637977-G-GC.
Other names: short protein forms R268fs.
Identifiers: ClinVar variation 5012149 (VCV005012149.1).